The following is an entry in ClinVar:

NM_000535.7(PMS2):c.2088C>A (p.Phe696Leu)

Gene: PMS2 (PMS1 homolog 2, mismatch repair system component; minus strand). Cytogenetic location: 7p22.1.
Variant type: single nucleotide variant.
Coding change: c.2088C>A on transcript NM_000535.7 (MANE Select); coding-DNA position 2088, C replaced by A.
Protein change: p.Phe696Leu; replaces phenylalanine 696 with leucine.
Molecular consequence: missense variant. On other transcripts: non-coding transcript variant (1).
Genome position (GRCh38, 1-based): chr7:5,982,910, G>T on the plus strand (C>A on the coding strand, the complement: PMS2 is on the minus strand). VCF-style: chr7-5982910-G-T. GRCh37 (hg19) VCF-style: chr7-6022541-G-T.
Other names: c.1683C>A, p.Phe561Leu (NM_001018040.1, NM_001322003.2, NM_001322004.2 and 15 more transcripts); c.1932C>A, p.Phe644Leu (NM_001322006.2, NM_001406870.1); c.1770C>A, p.Phe590Leu (NM_001322007.2, NM_001322008.2, NM_001406876.1 and 1 more transcripts); c.1527C>A, p.Phe509Leu (NM_001322010.2, NM_001406906.1, NM_001406907.1); c.1155C>A, p.Phe385Leu (NM_001322011.2, NM_001322012.2); c.1515C>A, p.Phe505Leu (NM_001322013.2, NM_001406909.1); c.2088C>A, p.Phe696Leu (NM_001322014.2, NM_001406871.1); c.1779C>A, p.Phe593Leu (NM_001322015.2, NM_001406875.1, NM_001406877.1 and 5 more transcripts); and 13 more; short protein forms F385L, F439L, F561L, F640L, F644L, F505L, F660L, F696L.
Identifiers: ClinVar variation 1785662 (VCV001785662.2), dbSNP rs1782455618, ClinGen allele CA366738023.

ClinVar aggregate classification (germline): Uncertain significance (1 of 4 stars; one submission).

Conditions:
Hereditary cancer-predisposing syndrome. Also called: Neoplastic Syndromes, Hereditary; Tumor predisposition; Hereditary Cancer Syndrome; Hereditary neoplastic syndrome. Identifiers: Orphanet 140162, MedGen C0027672, MeSH D009386, MONDO:0015356.

Submission:

Ambry Genetics
Classification: Uncertain significance for Hereditary cancer-predisposing syndrome. Last evaluated: 2017-09-07. Review status: criteria provided, single submitter. Criteria: Ambry Variant Classification Scheme 2023. Collection method: clinical testing. Allele origin: germline.
Comment: The p.F696L variant (also known as c.2088C>A), located in coding exon 12 of the PMS2 gene, results from a C to A substitution at nucleotide position 2088. The phenylalanine at codon 696 is replaced by leucine, an amino acid with highly similar properties. This amino acid position is highly conserved in available vertebrate species. In addition, this alteration is predicted to be deleterious by in silico analysis. Since supporting evidence is limited at this time, the clinical significance of this alteration remains unclear.